The following is an entry in ClinVar:

ClinVar aggregate classification (germline): Pathogenic/Likely pathogenic. Review status: criteria provided, multiple submitters, no conflicts (2 of 4 stars). 6 submissions from 6 submitters: Pathogenic (4); Likely pathogenic (2). Last evaluated 2026-01-04.

Conditions:
Sucrase-isomaltase deficiency (CSID). Also called: SI DEFICIENCY; Deficiency of isomaltase; Congenital sucrose isomaltose malabsorption; Sucrose isomaltose enzyme deficiency. Identifiers: Orphanet 35122, MedGen C1283620, MONDO:0009114, OMIM 222900.
SI-related disorders.
Inborn genetic diseases. Identifiers: MedGen C0950123, MeSH D030342.

Allele frequency attached by ClinVar (database versions not stated): ExAC 0.00007; gnomAD 0.00009 and 0.00010; gnomAD exomes 0.00010; TOPMed 0.00011; 1000 Genomes Project 0.00020; ESP Exome Variant Server 0.00023; 1000 Genomes Project 30x 0.00031.
gnomAD v4.1: 336 of 1,612,436 alleles (0.021%); highest among the groups gnomAD compares: Non-Finnish European, 0.027%; no homozygotes.

Submissions (6):

Labcorp Genetics (formerly Invitae), Labcorp
Classification: Pathogenic. Last evaluated: 2026-01-04. Review status: criteria provided, single submitter. Criteria: Invitae Variant Classification Sherloc (09022015). Collection method: clinical testing. Allele origin: germline.
Comment: This sequence change creates a premature translational stop signal (p.Arg1124*) in the SI gene. It is expected to result in an absent or disrupted protein product. Loss-of-function variants in SI are known to be pathogenic (PMID: 16329100, 23103650, 25452324). This variant is present in population databases (rs200451408, gnomAD 0.02%). This premature translational stop signal has been observed in individual(s) with clinical features of sucrase-isomaltase deficiency (PMID: 23103650, 27872184, 29408290). ClinVar contains an entry for this variant (Variation ID: 432014). Algorithms developed to predict the effect of sequence changes on RNA splicing suggest that this variant may disrupt the consensus splice site. For these reasons, this variant has been classified as Pathogenic.

Revvity Omics, Revvity
Classification: Pathogenic for Sucrase-isomaltase deficiency. Last evaluated: 2024-11-01. Review status: criteria provided, single submitter. Criteria: ACMG Guidelines, 2015. Collection method: clinical testing. Allele origin: germline.

Fulgent Genetics
Classification: Pathogenic for Sucrase-isomaltase deficiency. Last evaluated: 2024-02-16. Review status: criteria provided, single submitter. Criteria: ACMG Guidelines, 2015. Collection method: clinical testing. Allele origin: germline.

Blueprint Genetics
Classification: Likely pathogenic for SI-related disorders. Last evaluated: 2023-07-18. Review status: criteria provided, single submitter. Criteria: ACMG Guidelines, 2015. Collection method: clinical testing. Allele origin: germline. Affected: yes. Observed: 5 variant alleles.

Ambry Genetics
Classification: Pathogenic for Inborn genetic diseases. Last evaluated: 2017-10-04. Review status: criteria provided, single submitter. Criteria: Ambry exome assertion method (8-5-2015). Collection method: clinical testing. Allele origin: germline. Affected: yes. Observed: 1 variant allele.

GeneDx
Classification: Likely pathogenic. Last evaluated: 2016-07-14. Review status: criteria provided, single submitter. Criteria: GeneDx Variant Classification (06012015). Collection method: clinical testing. Allele origin: germline. Affected: yes.
Comment: The R1124X variant in the SI gene has been published previously in one individual with sucrase-isomaltase deficiency, however detailed clinical information, functional studies, and familial segregation information was not reported (Uhrich et al., 2012). The R1124X variant was not observed with any significant frequency in approximately 6500 individuals of European and African American ancestry in the NHLBI Exome Sequencing Project, indicating it is not a common benign variant in these populations. This variant is predicted to cause loss of normal protein function either through protein truncation or nonsense-mediated mRNA decay. Therefore, the R1124X variant is a strong candidate for a pathogenic variant, however the possibility it may be a rare benign variant cannot be excluded.

Literature cited by the submitters: PubMed 16329100 (cited by Labcorp Genetics (formerly Invitae), Labcorp); PubMed 23103650 (cited by Labcorp Genetics (formerly Invitae), Labcorp and Ambry Genetics); PubMed 25452324 (cited by Labcorp Genetics (formerly Invitae), Labcorp); PubMed 27872184 (cited by Labcorp Genetics (formerly Invitae), Labcorp); PubMed 29408290 (cited by Labcorp Genetics (formerly Invitae), Labcorp).

NM_001041.4(SI):c.3370C>T (p.Arg1124Ter)

Gene: SI (sucrase-isomaltase; minus strand). Cytogenetic location: 3q26.1.
Variant type: single nucleotide variant.
Coding change: c.3370C>T on transcript NM_001041.4 (MANE Select); coding-DNA position 3370, C replaced by T.
Protein change: p.Arg1124Ter; replaces arginine 1124 with a stop codon.
Molecular consequence: nonsense.
Genome position (GRCh38, 1-based): chr3:165,019,655, G>A on the plus strand (C>T on the coding strand, the complement: SI is on the minus strand). VCF-style: chr3-165019655-G-A. GRCh37 (hg19) VCF-style: chr3-164737443-G-A.
Other names: short protein forms R1124*.
Identifiers: ClinVar variation 432014 (VCV000432014.16), dbSNP rs200451408, ClinGen allele CA2690299.
Genomic context (GRCh38, chr3:165,019,655, plus strand): 5'-TACCTACACCAGGGGGTTGGTCTCTTGTGAACATTCCCCAAGTATTCCAGTTCAGATCTC[G>A]CTTAAATGCTGTATGTTCCACTTCCCCAAAACCATATATATATTCTGATGGCAGGCGAGT-3'